The following is an entry in ClinVar:

NM_000238.4(KCNH2):c.1385dup (p.Met462fs)

Gene: KCNH2 (potassium voltage-gated channel subfamily H member 2; minus strand). Cytogenetic location: 7q36.1.
Variant type: Duplication.
Coding change: c.1385dup on transcript NM_000238.4 (MANE Select); coding-DNA position 1385, one base duplicated (T; older notation c.1385dupT).
Protein change: p.Met462fs; shifts the reading frame from methionine 462.
Molecular consequence: frameshift variant.
Genome position (GRCh38, 1-based): chr7:150,952,597, A duplicated on the plus strand (T on the coding strand, the reverse complement: KCNH2 is on the minus strand). VCF-style (leftmost placement, unchanged base first): chr7-150952596-C-CA. GRCh37 (hg19) VCF-style: chr7-150649684-C-CA.
Other names: c.365dup, p.Met122fs (NM_001204798.2, NM_172057.3); c.1097dup, p.Met366Ilefs (NM_001406753.1, NM_001406756.1); c.1208dup, p.Met403Ilefs (NM_001406755.1); c.1085dup, p.Met362Ilefs (NM_001406757.1); c.1385dup, p.Met462Ilefs (NM_172056.3); c.1385dupT (NM_000238.3); short protein forms M122fs, M462fs.
Identifiers: ClinVar variation 1771379 (VCV001771379.2), dbSNP rs2486047773, ClinGen allele CA2580077808.

ClinVar aggregate classification (germline): Pathogenic (1 of 4 stars; one submission).

Conditions:
Cardiovascular phenotype. Identifiers: MedGen CN230736.

Submission:

Ambry Genetics
Classification: Pathogenic for Cardiovascular phenotype. Last evaluated: 2020-04-23. Review status: criteria provided, single submitter. Criteria: Ambry Variant Classification Scheme 2023. Collection method: clinical testing. Allele origin: germline.
Comment: The c.1385dupT variant, located in coding exon 6 of the KCNH2 gene, results from a duplication of T at nucleotide position 1385, causing a translational frameshift with a predicted alternate stop codon (p.M462Ifs*57). This alteration is expected to result in loss of function by premature protein truncation or nonsense-mediated mRNA decay. As such, this alteration is interpreted as a disease-causing mutation.